The following is an entry in ClinVar:

NM_015557.3(CHD5):c.1803-10C>T

Gene: CHD5 (chromodomain helicase DNA binding protein 5; minus strand). Cytogenetic location: 1p36.31.
Variant type: single nucleotide variant.
Coding change: c.1803-10C>T on transcript NM_015557.3 (MANE Select); 10 bases into the intron before coding-DNA position 1803, C replaced by T.
Molecular consequence: intron variant.
Genome position (GRCh38, 1-based): chr1:6,144,165, G>A on the plus strand (C>T on the coding strand, the complement: CHD5 is on the minus strand). VCF-style: chr1-6144165-G-A. GRCh37 (hg19) VCF-style: chr1-6204225-G-A.
Identifiers: ClinVar variation 778205 (VCV000778205.5), dbSNP rs181956131, ClinGen allele CA556945.

ClinVar aggregate classification (germline): Benign/Likely benign. Review status: criteria provided, multiple submitters, no conflicts (2 of 4 stars). 3 submissions from 3 submitters: Benign (1); Likely benign (1). 1 of the submissions does not count toward it. Last evaluated 2024-10-23.

Conditions:
CHD5-related disorder. Also called: CHD5-related condition.

Allele frequency attached by ClinVar (database versions not stated): 1000 Genomes Project 0.00140; 1000 Genomes Project 30x 0.00141; gnomAD exomes 0.00226 and 0.00319; ExAC 0.00229; gnomAD 0.00230 and 0.00238; TOPMed 0.00250; ESP Exome Variant Server 0.00323.
gnomAD v4.1: 5,030 of 1,614,178 alleles (0.31%); highest among the groups gnomAD compares: Non-Finnish European, 0.38%; 15 homozygotes.

Submissions (3):

Blueprint Genetics
Classification: Likely benign. Last evaluated: 2024-10-23. Review status: criteria provided, single submitter. Criteria: ACMG Guidelines, 2015. Collection method: clinical testing. Allele origin: germline.

Labcorp Genetics (formerly Invitae), Labcorp
Classification: Benign. Last evaluated: 2018-05-07. Review status: criteria provided, single submitter. Criteria: Invitae Variant Classification Sherloc (09022015). Collection method: clinical testing. Allele origin: germline.

PreventionGenetics, part of Exact Sciences
Classification: Likely benign for CHD5-related condition. Last evaluated: 2024-07-22. Review status: no assertion criteria provided. Collection method: clinical testing. Allele origin: germline. Not counted in ClinVar's aggregate classification.
Comment: This variant is classified as likely benign based on ACMG/AMP sequence variant interpretation guidelines (Richards et al. 2015 PMID: 25741868, with internal and published modifications).